The following is an entry in ClinVar:

NM_032236.8(USP48):c.611A>T (p.Asp204Val)

Gene: USP48 (ubiquitin specific peptidase 48; minus strand). Cytogenetic location: 1p36.12.
Variant type: single nucleotide variant.
Coding change: c.611A>T on transcript NM_032236.8 (MANE Select); coding-DNA position 611, A replaced by T.
Protein change: p.Asp204Val; replaces aspartic acid 204 with valine.
Molecular consequence: missense variant.
Genome position (GRCh38, 1-based): chr1:21,752,581, T>A on the plus strand (A>T on the coding strand, the complement: USP48 is on the minus strand). VCF-style: chr1-21752581-T-A. GRCh37 (hg19) VCF-style: chr1-22079074-T-A.
Other names: c.611A>T, p.Asp204Val (NM_001032730.3, NM_001330394.3, NM_001350164.2 and 3 more transcripts); short protein forms D204V.
Identifiers: ClinVar variation 4990328 (VCV004990328.1).

ClinVar aggregate classification (germline): Uncertain significance (1 of 4 stars; one submission).

Conditions:
USP48-related condition.

gnomAD v4.1: 2 of 1,613,546 alleles (0.00012%); highest among the groups gnomAD compares: Non-Finnish European, 0.00017%; no homozygotes.

Submission:

PreventionGenetics, part of Exact Sciences
Classification: Uncertain significance for USP48-related condition. Last evaluated: 2024-12-18. Review status: criteria provided, single submitter. Criteria: ACMG Guidelines, 2015. Collection method: clinical testing. Allele origin: germline.
Comment: The USP48 c.611A>T variant is predicted to result in the amino acid substitution p.Asp204Val. To our knowledge, this variant has not been reported in the literature. This variant is reported in 0.00088% of alleles in individuals of European (Non-Finnish) descent in gnomAD. At this time, the clinical significance of this variant is uncertain due to the absence of conclusive functional and genetic evidence.